The following is an entry in ClinVar:

ClinVar aggregate classification (germline): Uncertain significance (1 of 4 stars; one submission).

gnomAD v4.1: 1 of 1,612,974 alleles (0.000062%); no homozygotes.

Submission:

Labcorp Genetics (formerly Invitae), Labcorp
Classification: Uncertain significance. Last evaluated: 2025-02-11. Review status: criteria provided, single submitter. Criteria: Invitae Variant Classification Sherloc (09022015). Collection method: clinical testing. Allele origin: germline.
Comment: This sequence change replaces lysine, which is basic and polar, with glutamine, which is neutral and polar, at codon 2328 of the HMCN1 protein (p.Lys2328Gln). This variant is not present in population databases (gnomAD no frequency). This variant has not been reported in the literature in individuals affected with HMCN1-related conditions. An algorithm developed to predict the effect of missense changes on protein structure and function (PolyPhen-2) suggests that this variant is likely to be disruptive. In summary, the available evidence is currently insufficient to determine the role of this variant in disease. Therefore, it has been classified as a Variant of Uncertain Significance.

NM_031935.3(HMCN1):c.6982A>C (p.Lys2328Gln)

Gene: HMCN1 (hemicentin 1; plus strand). Cytogenetic location: 1q31.1.
Variant type: single nucleotide variant.
Coding change: c.6982A>C on transcript NM_031935.3 (MANE Select); coding-DNA position 6982, A replaced by C.
Protein change: p.Lys2328Gln; replaces lysine 2328 with glutamine.
Molecular consequence: missense variant.
Genome position (GRCh38, 1-based): chr1:186,055,512, A>C. VCF-style: chr1-186055512-A-C. GRCh37 (hg19) VCF-style: chr1-186024644-A-C.
Other names: short protein forms K2328Q.
Identifiers: ClinVar variation 4710567 (VCV004710567.1).